The following is an entry in ClinVar:

ClinVar aggregate classification (germline): Likely pathogenic (1 of 4 stars; one submission).

Submission:

Labcorp Genetics (formerly Invitae), Labcorp
Classification: Likely pathogenic. Last evaluated: 2024-01-29. Review status: criteria provided, single submitter. Criteria: Invitae Variant Classification Sherloc (09022015). Collection method: clinical testing. Allele origin: germline.
Comment: This sequence change replaces tryptophan, which is neutral and slightly polar, with leucine, which is neutral and non-polar, at codon 206 of the RS1 protein (p.Trp206Leu). This variant is not present in population databases (gnomAD no frequency). This missense change has been observed in individual(s) with retinoschisis (Invitae). Advanced modeling of protein sequence and biophysical properties (such as structural, functional, and spatial information, amino acid conservation, physicochemical variation, residue mobility, and thermodynamic stability) performed at Invitae indicates that this missense variant is expected to disrupt RS1 protein function with a positive predictive value of 95%. This variant disrupts the p.Trp206 amino acid residue in RS1. Other variant(s) that disrupt this residue have been observed in individuals with RS1-related conditions (PMID: 17631851; Invitae), which suggests that this may be a clinically significant amino acid residue. In summary, the currently available evidence indicates that the variant is pathogenic, but additional data are needed to prove that conclusively. Therefore, this variant has been classified as Likely Pathogenic.

Literature cited by the submitters: PubMed 17631851.

NM_000330.4(RS1):c.617G>T (p.Trp206Leu)

Genes: CDKL5 (cyclin dependent kinase like 5; plus strand), RS1 (retinoschisin 1; minus strand). Cytogenetic location: Xp22.13.
Variant type: single nucleotide variant.
Coding change: c.617G>T on transcript NM_000330.4 (MANE Select); coding-DNA position 617, G replaced by T.
Protein change: p.Trp206Leu; replaces tryptophan 206 with leucine.
Molecular consequence: missense variant. On other transcripts: intron variant (2).
Genome position (GRCh38, 1-based): chrX:18,642,062, C>A on the plus strand (G>T on the coding strand, the complement: RS1 is on the minus strand). VCF-style: chrX-18642062-C-A. GRCh37 (hg19) VCF-style: chrX-18660182-C-A.
Other names: c.2714-3945C>A (NM_003159.3, NM_001037343.2); short protein forms W206L.
Identifiers: ClinVar variation 2866389 (VCV002866389.3), dbSNP rs2147188942, ClinGen allele CA412370227.